The following is an entry in ClinVar:

ClinVar aggregate classification (germline): Pathogenic (1 of 4 stars; one submission).

Submission:

Labcorp Genetics (formerly Invitae), Labcorp
Classification: Pathogenic. Last evaluated: 2023-02-20. Review status: criteria provided, single submitter. Criteria: Invitae Variant Classification Sherloc (09022015). Collection method: clinical testing. Allele origin: germline.
Comment: For these reasons, this variant has been classified as Pathogenic. This variant has not been reported in the literature in individuals affected with GALNT3-related conditions. This variant is not present in population databases (gnomAD no frequency). This sequence change creates a premature translational stop signal (p.Ser370*) in the GALNT3 gene. It is expected to result in an absent or disrupted protein product. Loss-of-function variants in GALNT3 are known to be pathogenic (PMID: 15133511, 20358599).

Literature cited by the submitters: PubMed 15133511; PubMed 20358599.

NM_004482.4(GALNT3):c.1109del (p.Ile369_Ser370insTer)

Gene: GALNT3 (polypeptide N-acetylgalactosaminyltransferase 3; minus strand). Cytogenetic location: 2q24.3.
Variant type: Deletion.
Coding change: c.1109del on transcript NM_004482.4 (MANE Select); coding-DNA position 1109, one base deleted (C; older notation c.1109delC).
Protein change: p.Ile369_Ser370insTer.
Molecular consequence: nonsense.
Genome position (GRCh38, 1-based): chr2:165,758,829, G deleted on the plus strand (C on the coding strand, the reverse complement: GALNT3 is on the minus strand). VCF-style (leftmost placement, unchanged base first): chr2-165758828-TG-T. GRCh37 (hg19) VCF-style: chr2-166615338-TG-T.
Identifiers: ClinVar variation 2815040 (VCV002815040.3), dbSNP rs2467869707, ClinGen allele CA2739271467.